The following is an entry in ClinVar:

ClinVar aggregate classification (germline): Uncertain significance (1 of 4 stars; one submission).

Submission:

GeneDx
Classification: Uncertain significance. Last evaluated: 2023-06-04. Review status: criteria provided, single submitter. Criteria: GeneDx Variant Classification Process June 2021. Collection method: clinical testing. Allele origin: germline. Affected: yes.
Comment: Not observed at significant frequency in large population cohorts (gnomAD); In silico analysis supports that this missense variant has a deleterious effect on protein structure/function; Has not been previously published as pathogenic or benign to our knowledge

NM_001256012.3(MYH10):c.1716G>C (p.Lys572Asn)

Gene: MYH10 (myosin heavy chain 10; minus strand). Cytogenetic location: 17p13.1.
Variant type: single nucleotide variant.
Coding change: c.1716G>C on transcript NM_001256012.3 (MANE Select); coding-DNA position 1716, G replaced by C.
Protein change: p.Lys572Asn; replaces lysine 572 with asparagine.
Molecular consequence: missense variant.
Genome position (GRCh38, 1-based): chr17:8,535,821, C>G on the plus strand (G>C on the coding strand, the complement: MYH10 is on the minus strand). VCF-style: chr17-8535821-C-G. GRCh37 (hg19) VCF-style: chr17-8439139-C-G.
Other names: c.1713G>C, p.Lys571Asn (NM_001256095.2); c.1716G>C, p.Lys572Asn (NM_001375266.1); c.1686G>C, p.Lys562Asn (NM_005964.5); short protein forms K562N, K571N, K572N.
Identifiers: ClinVar variation 3359508 (VCV003359508.1).